The following is an entry in ClinVar:

ClinVar aggregate classification (germline): Uncertain significance (1 of 4 stars; one submission).

Conditions:
Hereditary cancer-predisposing syndrome. Also called: Hereditary neoplastic syndrome; Neoplastic Syndromes, Hereditary; Tumor predisposition; Hereditary Cancer Syndrome. Identifiers: Orphanet 140162, MedGen C0027672, MeSH D009386, MONDO:0015356.

Submission:

Ambry Genetics
Classification: Uncertain significance for Hereditary cancer-predisposing syndrome. Last evaluated: 2025-02-05. Review status: criteria provided, single submitter. Criteria: Ambry Variant Classification Scheme 2023. Collection method: clinical testing. Allele origin: germline.
Comment: The p.P393A variant (also known as c.1177C>G), located in coding exon 10 of the CHEK2 gene, results from a C to G substitution at nucleotide position 1177. The proline at codon 393 is replaced by alanine, an amino acid with highly similar properties. This amino acid position is conserved. In addition, this alteration is predicted to be deleterious by in silico analysis. Based on the available evidence, the clinical significance of this variant remains unclear.

NM_007194.4(CHEK2):c.1177C>G (p.Pro393Ala)

Gene: CHEK2 (checkpoint kinase 2; minus strand). Cytogenetic location: 22q12.1.
Variant type: single nucleotide variant.
Coding change: c.1177C>G on transcript NM_007194.4 (MANE Select); coding-DNA position 1177, C replaced by G.
Protein change: p.Pro393Ala; replaces proline 393 with alanine.
Molecular consequence: missense variant.
Genome position (GRCh38, 1-based): chr22:28,695,792, G>C on the plus strand (C>G on the coding strand, the complement: CHEK2 is on the minus strand). VCF-style: chr22-28695792-G-C. GRCh37 (hg19) VCF-style: chr22-29091780-G-C.
Other names: c.1306C>G, p.Pro436Ala (NM_001005735.3); c.514C>G, p.Pro172Ala (NM_001257387.3); c.976C>G, p.Pro326Ala (NM_001349956.3); c.1090C>G, p.Pro364Ala (NM_145862.3); short protein forms P326A, P364A, P172A, P393A, P436A.
Identifiers: ClinVar variation 3832946 (VCV003832946.1).